The following is an entry in ClinVar:

NM_017852.5(NLRP2):c.1455C>T (p.Asp485=)

Gene: NLRP2 (NLR family pyrin domain containing 2; plus strand). Cytogenetic location: 19q13.42.
Variant type: single nucleotide variant.
Coding change: c.1455C>T on transcript NM_017852.5 (MANE Select); coding-DNA position 1455, C replaced by T.
Protein change: p.Asp485=; no amino-acid change (aspartic acid 485 retained).
Molecular consequence: synonymous variant. On other transcripts: non-coding transcript variant (1).
Genome position (GRCh38, 1-based): chr19:54,983,153, C>T. VCF-style: chr19-54983153-C-T. GRCh37 (hg19) VCF-style: chr19-55494521-C-T.
Other names: c.1455C>T, p.Asp485= (NM_001174081.3); c.1389C>T, p.Asp463= (NM_001174082.3); c.1386C>T, p.Asp462= (NM_001174083.2); c.1446C>T, p.Asp482= (NM_001348003.2).
Identifiers: ClinVar variation 3054458 (VCV003054458.2), dbSNP rs377688731, ClinGen allele CA310104710.

ClinVar aggregate classification (germline): Likely benign (0 of 4 stars; one submission).

Conditions:
NLRP2-related disorder. Also called: NLRP2-related condition.

Allele frequency attached by ClinVar (database versions not stated): gnomAD 0.00009; TOPMed 0.00012; ESP Exome Variant Server 0.00015; 1000 Genomes Project 30x 0.00016; 1000 Genomes Project 0.00020.
gnomAD v4.1: 299 of 1,613,944 alleles (0.019%); highest among the groups gnomAD compares: Middle Eastern, 0.18%; 2 homozygotes.

Submission:

PreventionGenetics, part of Exact Sciences
Classification: Likely benign for NLRP2-related condition. Last evaluated: 2020-11-20. Review status: no assertion criteria provided. Collection method: clinical testing. Allele origin: germline.
Comment: This variant is classified as likely benign based on ACMG/AMP sequence variant interpretation guidelines (Richards et al. 2015 PMID: 25741868, with internal and published modifications).